The following is an entry in ClinVar:

NM_130384.3(ATRIP):c.617T>C (p.Leu206Pro)

Genes: ATRIP (ATR interacting protein; plus strand), ATRIP-TREX1 (ATRIP-TREX1 readthrough; plus strand). Cytogenetic location: 3p21.31.
Variant type: single nucleotide variant.
Coding change: c.617T>C on transcript NM_130384.3 (MANE Select); coding-DNA position 617, T replaced by C.
Protein change: p.Leu206Pro; replaces leucine 206 with proline.
Molecular consequence: missense variant. On other transcripts: non-coding transcript variant (1).
Genome position (GRCh38, 1-based): chr3:48,454,364, T>C. VCF-style: chr3-48454364-T-C. GRCh37 (hg19) VCF-style: chr3-48495764-T-C.
Other names: c.236T>C, p.Leu79Pro (NM_001271022.2); c.338T>C, p.Leu113Pro (NM_001271023.2); c.617T>C, p.Leu206Pro (NM_032166.4); short protein forms L113P, L206P, L79P.
Identifiers: ClinVar variation 4644507 (VCV004644507.1).

ClinVar aggregate classification (germline): Uncertain significance (1 of 4 stars; one submission).

gnomAD v4.1: 2 of 1,613,838 alleles (0.00012%); highest among the groups gnomAD compares: Non-Finnish European, 0.00017%; no homozygotes.

Submission:

Ambry Genetics
Classification: Uncertain significance. Last evaluated: 2025-09-19. Review status: criteria provided, single submitter. Criteria: Ambry Variant Classification Scheme 2023. Collection method: clinical testing. Allele origin: germline.
Comment: The p.L206P variant (also known as c.617T>C), located in coding exon 4 of the ATRIP gene, results from a T to C substitution at nucleotide position 617. The leucine at codon 206 is replaced by proline, an amino acid with similar properties. This amino acid position is conserved. In addition, the in silico prediction for this alteration is inconclusive. Based on the available evidence, the clinical significance of this variant remains unclear.